The following is an entry in ClinVar:

ClinVar aggregate classification (germline): Uncertain significance. Review status: criteria provided, multiple submitters, no conflicts (2 of 4 stars). 3 submissions from 3 submitters: Uncertain significance (3). Last evaluated 2025-12-24.

Conditions:
Classic or attenuated familial adenomatous polyposis. Identifiers: MedGen CN372698, MONDO:0021057.
Hereditary cancer-predisposing syndrome. Also called: Tumor predisposition; Hereditary neoplastic syndrome; Neoplastic Syndromes, Hereditary; Hereditary Cancer Syndrome. Identifiers: Orphanet 140162, MedGen C0027672, MeSH D009386, MONDO:0015356.
Familial adenomatous polyposis 1 (FAP1). Also called: FAMILIAL ADENOMATOUS POLYPOSIS 1, ATTENUATED; POLYPOSIS, ADENOMATOUS INTESTINAL. Identifiers: MedGen C2713442, MONDO:0021056, OMIM 175100. Disease mechanism: loss of function.

Submissions (3):

Labcorp Genetics (formerly Invitae), Labcorp
Classification: Uncertain significance for Familial adenomatous polyposis 1. Last evaluated: 2025-12-24. Review status: criteria provided, single submitter. Criteria: Invitae Variant Classification Sherloc (09022015). Collection method: clinical testing. Allele origin: germline.
Comment: This sequence change replaces serine, which is neutral and polar, with proline, which is neutral and non-polar, at codon 1222 of the APC protein (p.Ser1222Pro). This variant is not present in population databases (gnomAD no frequency). This variant has not been reported in the literature in individuals affected with APC-related conditions. ClinVar contains an entry for this variant (Variation ID: 847851). Invitae Evidence Modeling of protein sequence and biophysical properties (such as structural, functional, and spatial information, amino acid conservation, physicochemical variation, residue mobility, and thermodynamic stability) indicates that this missense variant is not expected to disrupt APC protein function with a negative predictive value of 95%. In summary, the available evidence is currently insufficient to determine the role of this variant in disease. Therefore, it has been classified as a Variant of Uncertain Significance.

Ambry Genetics
Classification: Uncertain significance for Hereditary cancer-predisposing syndrome. Last evaluated: 2024-12-02. Review status: criteria provided, single submitter. Criteria: Ambry Variant Classification Scheme 2023. Collection method: clinical testing. Allele origin: germline.
Comment: The p.S1222P variant (also known as c.3664T>C), located in coding exon 15 of the APC gene, results from a T to C substitution at nucleotide position 3664. The serine at codon 1222 is replaced by proline, an amino acid with similar properties. This amino acid position is not well conserved in available vertebrate species. In addition, in silico predictors for this gene do not accurately predict pathogenicity. Missense alterations in APC are not a common cause of disease (Spier I et al. Genet Med. 2024 Feb;26(2):100992). Based on the available evidence, the clinical significance of this variant remains unclear.

All of Us Research Program, National Institutes of Health
Classification: Uncertain significance for Classic or attenuated familial adenomatous polyposis. Last evaluated: 2024-01-11. Review status: criteria provided, single submitter. Criteria: ACMG Guidelines, 2015. Collection method: clinical testing. Allele origin: germline. Inheritance: Autosomal dominant inheritance. Observed: 1 variant allele, 1 heterozygote.
Comment: This study involves interpretation of variants in research participants for the purpose of population health screening. Participant phenotype was not available at the time of variant classification. Additional details can be found in publication PMID: 35346344, PMCID: PMC8962531

NM_000038.6(APC):c.3664T>C (p.Ser1222Pro)

Gene: APC (APC regulator of Wnt signaling pathway; plus strand). Cytogenetic location: 5q22.2.
Variant type: single nucleotide variant.
Coding change: c.3664T>C on transcript NM_000038.6 (MANE Select); coding-DNA position 3664, T replaced by C.
Protein change: p.Ser1222Pro; replaces serine 1222 with proline.
Molecular consequence: missense variant.
Genome position (GRCh38, 1-based): chr5:112,839,258, T>C. VCF-style: chr5-112839258-T-C. GRCh37 (hg19) VCF-style: chr5-112174955-T-C.
Other names: c.3664T>C, p.Ser1222Pro (NM_001127510.3, NM_001354895.2); c.3610T>C, p.Ser1204Pro (NM_001127511.3); c.3718T>C, p.Ser1240Pro (NM_001354896.2); c.3694T>C, p.Ser1232Pro (NM_001354897.2); c.3589T>C, p.Ser1197Pro (NM_001354898.2); c.3580T>C, p.Ser1194Pro (NM_001354899.2); c.3541T>C, p.Ser1181Pro (NM_001354900.2); c.3487T>C, p.Ser1163Pro (NM_001354901.2); and 5 more; short protein forms S1131P, S1163P, S1197P, S1240P, S1096P, S1204P, S1194P, S1232P.
Identifiers: ClinVar variation 847851 (VCV000847851.13), dbSNP rs1765487882, ClinGen allele CA16029375.